The following is an entry in ClinVar:

ClinVar aggregate classification (germline): Likely pathogenic (1 of 4 stars; one submission).

Conditions:
TONSL-related disorder. Also called: TONSL-related condition.

Submission:

PreventionGenetics, part of Exact Sciences
Classification: Likely pathogenic for TONSL-related condition. Last evaluated: 2025-12-30. Review status: criteria provided, single submitter. Criteria: ACMG Guidelines, 2015. Collection method: clinical testing. Allele origin: germline.
Comment: The TONSL c.3250delG variant is predicted to result in a frameshift and premature protein termination (p.Asp1084Thrfs*53). To our knowledge, this variant has not been reported in the literature or in a large population database (gnomAD), indicating this variant is rare. Frameshift variants in TONSL are expected to be pathogenic. This variant is interpreted as likely pathogenic.

NM_013432.5(TONSL):c.3250del (p.Asp1084fs)

Gene: TONSL (tonsoku like, DNA repair protein; minus strand). Cytogenetic location: 8q24.3.
Variant type: Deletion.
Coding change: c.3250del on transcript NM_013432.5 (MANE Select); coding-DNA position 3250, one base deleted (G; older notation c.3250delG).
Protein change: p.Asp1084fs; shifts the reading frame from aspartic acid 1084.
Molecular consequence: frameshift variant.
Genome position (GRCh38, 1-based): chr8:144,434,115, C deleted on the plus strand (G on the coding strand, the reverse complement: TONSL is on the minus strand); the first of 5 consecutive C bases (chr8:144,434,115-144,434,119); deleting any one gives the same sequence. VCF-style (leftmost placement, unchanged base first): chr8-144434114-TC-T. GRCh37 (hg19) VCF-style: chr8-145659497-TC-T.
Other names: short protein forms D1084fs.
Identifiers: ClinVar variation 4992469 (VCV004992469.1).